The following is an entry in ClinVar:

NM_001003800.2(BICD2):c.163C>G (p.His55Asp)

Gene: BICD2 (BICD cargo adaptor 2; minus strand). Cytogenetic location: 9q22.31.
Variant type: single nucleotide variant.
Coding change: c.163C>G on transcript NM_001003800.2 (MANE Select); coding-DNA position 163, C replaced by G.
Protein change: p.His55Asp; replaces histidine 55 with aspartic acid.
Molecular consequence: missense variant.
Genome position (GRCh38, 1-based): chr9:92,764,582, G>C on the plus strand (C>G on the coding strand, the complement: BICD2 is on the minus strand). VCF-style: chr9-92764582-G-C. GRCh37 (hg19) VCF-style: chr9-95526864-G-C.
Other names: c.163C>G, p.His55Asp (NM_015250.4); short protein forms H55D.
Identifiers: ClinVar variation 1016774 (VCV001016774.9), dbSNP rs1854442288, ClinGen allele CA374031998.

ClinVar aggregate classification (germline): Uncertain significance (1 of 4 stars; one submission).

Conditions:
Autosomal dominant childhood-onset proximal spinal muscular atrophy with contractures (SMALED2A). Also called: SPINAL MUSCULAR ATROPHY, LOWER EXTREMITY-PREDOMINANT, 2A, CHILDHOOD ONSET, AUTOSOMAL DOMINANT; Spinal muscular atrophy, lower extremity-predominant, 2A, autosomal dominant. Identifiers: Orphanet 363447, Orphanet 363454, MedGen C4747715, MONDO:0014121, OMIM 615290.

Submission:

Labcorp Genetics (formerly Invitae), Labcorp
Classification: Uncertain significance for Autosomal dominant childhood-onset proximal spinal muscular atrophy with contractures. Last evaluated: 2020-09-11. Review status: criteria provided, single submitter. Criteria: Invitae Variant Classification Sherloc (09022015). Collection method: clinical testing. Allele origin: germline.
Comment: In summary, the available evidence is currently insufficient to determine the role of this variant in disease. Therefore, it has been classified as a Variant of Uncertain Significance. Advanced modeling of protein sequence and biophysical properties (such as structural, functional, and spatial information, amino acid conservation, physicochemical variation, residue mobility, and thermodynamic stability) performed at Invitae indicates that this missense variant is not expected to disrupt BICD2 protein function. This variant has not been reported in the literature in individuals with BICD2-related conditions. This variant is not present in population databases (ExAC no frequency). This sequence change replaces histidine with aspartic acid at codon 55 of the BICD2 protein (p.His55Asp). The histidine residue is moderately conserved and there is a moderate physicochemical difference between histidine and aspartic acid.